The following is an entry in ClinVar:

NM_004447.6(EPS8):c.31A>G (p.Ser11Gly)

Gene: EPS8 (EGFR pathway substrate 8, signaling adaptor; minus strand). Cytogenetic location: 12p12.3.
Variant type: single nucleotide variant.
Coding change: c.31A>G on transcript NM_004447.6 (MANE Select); coding-DNA position 31, A replaced by G.
Protein change: p.Ser11Gly; replaces serine 11 with glycine.
Molecular consequence: missense variant.
Genome position (GRCh38, 1-based): chr12:15,682,921, T>C on the plus strand (A>G on the coding strand, the complement: EPS8 is on the minus strand). VCF-style: chr12-15682921-T-C. GRCh37 (hg19) VCF-style: chr12-15835855-T-C.
Other names: c.31A>G (NM_004447.5); c.31A>G, p.Ser11Gly (NM_001413831.1, NM_001413832.1, NM_001413833.1 and 3 more transcripts); c.-133A>G (NM_001413835.1); c.-391A>G (NM_001413837.1); short protein forms S11G.
Identifiers: ClinVar variation 2080766 (VCV002080766.5), dbSNP rs372844911, ClinGen allele CA233373806.

ClinVar aggregate classification (germline): Uncertain significance. Review status: criteria provided, multiple submitters, no conflicts (2 of 4 stars). 2 submissions from 2 submitters: Uncertain significance (2). Last evaluated 2023-05-22.

Allele frequency attached by ClinVar (database versions not stated): gnomAD exomes 0.00001; TOPMed 0.00001; ESP Exome Variant Server 0.00008.
gnomAD v4.1: 16 of 1,586,414 alleles (0.001%); highest among the groups gnomAD compares: Non-Finnish European, 0.0012%; no homozygotes.

Submissions (2):

GeneDx
Classification: Uncertain significance. Last evaluated: 2023-05-22. Review status: criteria provided, single submitter. Criteria: GeneDx Variant Classification Process June 2021. Collection method: clinical testing. Allele origin: germline. Affected: yes.
Comment: Not observed at significant frequency in large population cohorts (gnomAD); In silico analysis supports that this missense variant does not alter protein structure/function; Has not been previously published as pathogenic or benign to our knowledge

Labcorp Genetics (formerly Invitae), Labcorp
Classification: Uncertain significance. Last evaluated: 2022-02-20. Review status: criteria provided, single submitter. Criteria: Invitae Variant Classification Sherloc (09022015). Collection method: clinical testing. Allele origin: germline.
Comment: In summary, the available evidence is currently insufficient to determine the role of this variant in disease. Therefore, it has been classified as a Variant of Uncertain Significance. Algorithms developed to predict the effect of missense changes on protein structure and function output the following: SIFT: "Not Available"; PolyPhen-2: "Benign"; Align-GVGD: "Not Available". The glycine amino acid residue is found in multiple mammalian species, which suggests that this missense change does not adversely affect protein function. This variant has not been reported in the literature in individuals affected with EPS8-related conditions. The frequency data for this variant in the population databases is considered unreliable, as metrics indicate poor data quality at this position in the gnomAD database. This sequence change replaces serine, which is neutral and polar, with glycine, which is neutral and non-polar, at codon 11 of the EPS8 protein (p.Ser11Gly).